The following is an entry in ClinVar:

NM_000132.4(F8):c.1489C>T (p.His497Tyr)

Gene: F8 (coagulation factor VIII; minus strand). Cytogenetic location: Xq28.
Variant type: single nucleotide variant.
Coding change: c.1489C>T on transcript NM_000132.4 (MANE Select); coding-DNA position 1489, C replaced by T.
Protein change: p.His497Tyr; replaces histidine 497 with tyrosine.
Molecular consequence: missense variant.
Genome position (GRCh38, 1-based): chrX:154,961,123, G>A on the plus strand (C>T on the coding strand, the complement: F8 is on the minus strand). VCF-style: chrX-154961123-G-A. GRCh37 (hg19) VCF-style: chrX-154189398-G-A.
Other names: short protein forms H497Y.
Identifiers: ClinVar variation 4685917 (VCV004685917.1).

ClinVar aggregate classification (germline): Uncertain significance (1 of 4 stars; one submission).

Submission:

ARUP Laboratories, Molecular Genetics and Genomics, ARUP Laboratories
Classification: Uncertain significance. Last evaluated: 2024-12-06. Review status: criteria provided, single submitter. Criteria: ARUP Molecular Germline Variant Investigation Process 2024. Collection method: clinical testing. Allele origin: germline.
Comment: The F8 c.1489C>T; p.His497Tyr variant, to our knowledge, is not reported in the medical literature or gene specific databases. This variant is also absent from the Genome Aggregation Database (v2.1.1), indicating it is not a common polymorphism. Computational analyses predict that this variant is deleterious (REVEL: 0.800). However, given the lack of clinical and functional data, the significance of this variant is uncertain at this time.